The following is an entry in ClinVar:

NC_000002.12:g.(?_50465422)_(51032054_?)del

Genes: MIR8485 (microRNA 8485; minus strand), NRXN1 (neurexin 1; minus strand), LOC110121071 (VISTA enhancer hs1348; plus strand), LOC129388861 (MPRA-validated peak3699 silencer; plus strand). Cytogenetic location: 2p16.3.
Variant type: Deletion.
Identifiers: ClinVar variation 539893 (VCV000539893.1).

ClinVar aggregate classification (germline): Pathogenic (1 of 4 stars; one submission).

Conditions:
Pitt-Hopkins-like syndrome 2 (PTHSL2). Identifiers: Orphanet 221150, Orphanet 600663, MedGen C3280479, MONDO:0013690, OMIM 614325.

Submission:

Labcorp Genetics (formerly Invitae), Labcorp
Classification: Pathogenic for Pitt-Hopkins-like syndrome 2. Last evaluated: 2017-11-17. Review status: criteria provided, single submitter. Criteria: Invitae Variant Classification Sherloc (09022015). Collection method: clinical testing. Allele origin: germline.
Comment: This variant is a gross deletion of the genomic region encompassing exons 1-18 of the NRXN1 gene, which includes the initiator codon. The 5' end of this event is unknown as it extends beyond the assayed region for this gene and therefore may encompass additional genes. The 3' boundary is likely confined to intron 18 of the NRXN1 gene. This is expected to result in an absent or disrupted protein product. This variant has been reported in an individual affected with severe intellectual disability and resemblance to Pitt-Hopkins syndrome (PMID: 21827697). Loss-of-function variants in NRXN1 are known to be pathogenic (PMID: 19896112, 21964664, 25149956). For these reasons, this variant has been classified as Pathogenic.

Literature cited by the submitters: PubMed 21827697.